The following is an entry in ClinVar:

ClinVar aggregate classification (germline): Uncertain significance (1 of 4 stars; one submission).

Allele frequency attached by ClinVar (database versions not stated): gnomAD exomes below 0.00001.

Submission:

Labcorp Genetics (formerly Invitae), Labcorp
Classification: Uncertain significance. Last evaluated: 2024-01-11. Review status: criteria provided, single submitter. Criteria: Invitae Variant Classification Sherloc (09022015). Collection method: clinical testing. Allele origin: germline.
Comment: This sequence change replaces glycine, which is neutral and non-polar, with arginine, which is basic and polar, at codon 93 of the RAI1 protein (p.Gly93Arg). This variant is present in population databases (no rsID available, gnomAD 0.006%). This variant has not been reported in the literature in individuals affected with RAI1-related conditions. Advanced modeling of protein sequence and biophysical properties (such as structural, functional, and spatial information, amino acid conservation, physicochemical variation, residue mobility, and thermodynamic stability) performed at Invitae indicates that this missense variant is not expected to disrupt RAI1 protein function with a negative predictive value of 80%. In summary, the available evidence is currently insufficient to determine the role of this variant in disease. Therefore, it has been classified as a Variant of Uncertain Significance.

NM_030665.4(RAI1):c.277G>A (p.Gly93Arg)

Gene: RAI1 (retinoic acid induced 1; plus strand). Cytogenetic location: 17p11.2.
Variant type: single nucleotide variant.
Coding change: c.277G>A on transcript NM_030665.4 (MANE Select); coding-DNA position 277, G replaced by A.
Protein change: p.Gly93Arg; replaces glycine 93 with arginine.
Molecular consequence: missense variant.
Genome position (GRCh38, 1-based): chr17:17,793,225, G>A. VCF-style: chr17-17793225-G-A. GRCh37 (hg19) VCF-style: chr17-17696539-G-A.
Other names: short protein forms G93R.
Identifiers: ClinVar variation 1397363 (VCV001397363.8), dbSNP rs1310317316, ClinGen allele CA398545115.